The following is an entry in ClinVar:

NM_001330691.3(CEP78):c.680C>T (p.Ala227Val)

Gene: CEP78 (centrosomal protein 78; plus strand). Cytogenetic location: 9q21.2.
Variant type: single nucleotide variant.
Coding change: c.680C>T on transcript NM_001330691.3 (MANE Select); coding-DNA position 680, C replaced by T.
Protein change: p.Ala227Val; replaces alanine 227 with valine.
Molecular consequence: missense variant.
Genome position (GRCh38, 1-based): chr9:78,243,538, C>T. VCF-style: chr9-78243538-C-T. GRCh37 (hg19) VCF-style: chr9-80858454-C-T.
Other names: p.Ala227Val; c.680C>T, p.Ala227Val (NM_001098802.3, NM_001330693.3, NM_001330694.2 and 4 more transcripts); c.680C>T (NM_001098802.2); short protein forms A227V.
Identifiers: ClinVar variation 2067685 (VCV002067685.2), dbSNP rs368402315, ClinGen allele CA5094998.

ClinVar aggregate classification (germline): Uncertain significance. Review status: criteria provided, multiple submitters, no conflicts (2 of 4 stars). 2 submissions from 2 submitters: Uncertain significance (2). Last evaluated 2022-11-01.

Allele frequency attached by ClinVar (database versions not stated): ExAC 0.00002; gnomAD 0.00005; TOPMed 0.00007; ESP Exome Variant Server 0.00016; gnomAD exomes 0.00022.
gnomAD v4.1: 324 of 1,613,716 alleles (0.02%); highest among the groups gnomAD compares: Non-Finnish European, 0.027%; 1 homozygote.

Submissions (2):

Labcorp Genetics (formerly Invitae), Labcorp
Classification: Uncertain significance. Last evaluated: 2022-11-01. Review status: criteria provided, single submitter. Criteria: Invitae Variant Classification Sherloc (09022015). Collection method: clinical testing. Allele origin: germline.
Comment: This sequence change replaces alanine, which is neutral and non-polar, with valine, which is neutral and non-polar, at codon 227 of the CEP78 protein (p.Ala227Val). This variant is present in population databases (rs368402315, gnomAD 0.004%). This variant has not been reported in the literature in individuals affected with CEP78-related conditions. Advanced modeling of protein sequence and biophysical properties (such as structural, functional, and spatial information, amino acid conservation, physicochemical variation, residue mobility, and thermodynamic stability) performed at Invitae indicates that this missense variant is not expected to disrupt CEP78 protein function. In summary, the available evidence is currently insufficient to determine the role of this variant in disease. Therefore, it has been classified as a Variant of Uncertain Significance.

Mayo Clinic Laboratories, Mayo Clinic
Classification: Uncertain significance. Last evaluated: 2022-07-01. Review status: criteria provided, single submitter. Criteria: ACMG Guidelines, 2015. Collection method: clinical testing. Allele origin: germline. Observed: 1 variant allele.
Comment: BP4, PM2